The following is an entry in ClinVar:

NM_004714.3(DYRK1B):c.*9C>G

Gene: DYRK1B (dual specificity tyrosine phosphorylation regulated kinase 1B; minus strand). Cytogenetic location: 19q13.2.
Variant type: single nucleotide variant.
Coding change: c.*9C>G on transcript NM_004714.3 (MANE Select); 9 bases downstream of the stop codon, C replaced by G.
Molecular consequence: 3 prime UTR variant.
Genome position (GRCh38, 1-based): chr19:39,825,706, G>C on the plus strand (C>G on the coding strand, the complement: DYRK1B is on the minus strand). VCF-style: chr19-39825706-G-C. GRCh37 (hg19) VCF-style: chr19-40316346-G-C.
Other names: c.*9C>G (NM_006483.3, NM_006484.3, NM_004714.2).
Identifiers: ClinVar variation 435015 (VCV000435015.8), dbSNP rs370237703, ClinGen allele CA9433900.
Genomic context (GRCh38, chr19:39,825,706, plus strand): 5'-GATGGGAGCCCAGGGCCCCCAGATGGGGGAGGGTATGGCTTCAGGAGGGGCCCCAGGGAG[G>C]GGGCAGGGTCACGAGCTGGCTGCTGTGCTCTGGGGTACACCACGGAGGCCCAGGTGAGGC-3'

ClinVar aggregate classification (germline): Uncertain significance. Review status: criteria provided, single submitter (1 of 4 stars). 2 submissions from 2 submitters: Uncertain significance (1). 1 of the submissions does not count toward it. Last evaluated 2016-04-18.

Conditions:
DYRK1B-related disorder. Also called: DYRK1B-related condition.

Allele frequency attached by ClinVar (database versions not stated): 1000 Genomes Project 0.00040; ESP Exome Variant Server 0.00043; 1000 Genomes Project 30x 0.00078; gnomAD 0.00083; ExAC 0.00086; TOPMed 0.00124.

Submissions (2):

Genetic Services Laboratory, University of Chicago
Classification: Uncertain significance. Last evaluated: 2016-04-18. Review status: criteria provided, single submitter. Criteria: ACMG Guidelines, 2015. Collection method: clinical testing. Allele origin: germline. Affected: no.

PreventionGenetics, part of Exact Sciences
Classification: Likely benign for DYRK1B-related condition. Last evaluated: 2021-07-12. Review status: no assertion criteria provided. Collection method: clinical testing. Allele origin: germline. Not counted in ClinVar's aggregate classification.
Comment: This variant is classified as likely benign based on ACMG/AMP sequence variant interpretation guidelines (Richards et al. 2015 PMID: 25741868, with internal and published modifications).